The following is an entry in ClinVar:

ClinVar aggregate classification (germline): Uncertain significance (1 of 4 stars; one submission).

Submission:

Ambry Genetics
Classification: Uncertain significance. Last evaluated: 2026-03-12. Review status: criteria provided, single submitter. Criteria: Ambry Variant Classification Scheme 2023. Collection method: clinical testing. Allele origin: germline.
Comment: The p.S1453L variant (also known as c.4358C>T), located in coding exon 14 of the CDK12 gene, results from a C to T substitution at nucleotide position 4358. The serine at codon 1453 is replaced by leucine, an amino acid with dissimilar properties. This amino acid position is conserved. In addition, this alteration is predicted to be tolerated by in silico analysis. Based on the available evidence, the clinical significance of this variant remains unclear.

NM_016507.4(CDK12):c.4358C>T (p.Ser1453Leu)

Gene: CDK12 (cyclin dependent kinase 12; plus strand). Cytogenetic location: 17q12.
Variant type: single nucleotide variant.
Coding change: c.4358C>T on transcript NM_016507.4 (MANE Select); coding-DNA position 4358, C replaced by T.
Protein change: p.Ser1453Leu; replaces serine 1453 with leucine.
Molecular consequence: missense variant.
Genome position (GRCh38, 1-based): chr17:39,531,201, C>T. VCF-style: chr17-39531201-C-T. GRCh37 (hg19) VCF-style: chr17-37687454-C-T.
Other names: c.4331C>T, p.Ser1444Leu (NM_015083.4); short protein forms S1444L, S1453L.
Identifiers: ClinVar variation 4825966 (VCV004825966.1).